The following is an entry in ClinVar:

ClinVar aggregate classification (germline): Conflicting classifications of pathogenicity. Review status: criteria provided, conflicting classifications (1 of 4 stars). 2 submissions from 2 submitters: Uncertain significance (1); Likely benign (1). Last evaluated 2025-09-09.

Conditions:
Charcot-Marie-Tooth disease type 2. Also called: Charcot-Marie-Tooth type 2. Identifiers: Orphanet 64746, MedGen C0270914, MONDO:0018993.

Allele frequency attached by ClinVar (database versions not stated): gnomAD 0.00001; TOPMed 0.00002; 1000 Genomes Project 0.00020; gnomAD exomes 0.00001; 1000 Genomes Project 30x 0.00016.
gnomAD v4.1: 8 of 1,614,216 alleles (0.0005%); highest among the groups gnomAD compares: East Asian, 0.013%; no homozygotes.

Submissions (2):

Labcorp Genetics (formerly Invitae), Labcorp
Classification: Uncertain significance for Charcot-Marie-Tooth disease type 2. Last evaluated: 2025-09-09. Review status: criteria provided, single submitter. Criteria: Invitae Variant Classification Sherloc (09022015). Collection method: clinical testing. Allele origin: germline.
Comment: This sequence change replaces methionine, which is neutral and non-polar, with leucine, which is neutral and non-polar, at codon 419 of the KIF1B protein (p.Met419Leu). This variant is present in population databases (rs560710521, gnomAD 0.01%). This variant has not been reported in the literature in individuals affected with KIF1B-related conditions. ClinVar contains an entry for this variant (Variation ID: 835492). Invitae Evidence Modeling of protein sequence and biophysical properties (such as structural, functional, and spatial information, amino acid conservation, physicochemical variation, residue mobility, and thermodynamic stability) indicates that this missense variant is not expected to disrupt KIF1B protein function with a negative predictive value of 80%. In summary, the available evidence is currently insufficient to determine the role of this variant in disease. Therefore, it has been classified as a Variant of Uncertain Significance.

Ambry Genetics
Classification: Likely benign. Last evaluated: 2025-06-07. Review status: criteria provided, single submitter. Criteria: Ambry Variant Classification Scheme 2023. Collection method: clinical testing. Allele origin: germline.

NM_001365951.3(KIF1B):c.1393A>T (p.Met465Leu)

Gene: KIF1B (kinesin family member 1B; plus strand). Cytogenetic location: 1p36.22.
Variant type: single nucleotide variant.
Coding change: c.1393A>T on transcript NM_001365951.3 (MANE Select); coding-DNA position 1393, A replaced by T.
Protein change: p.Met465Leu; replaces methionine 465 with leucine.
Molecular consequence: missense variant.
Genome position (GRCh38, 1-based): chr1:10,282,492, A>T. VCF-style: chr1-10282492-A-T. GRCh37 (hg19) VCF-style: chr1-10342550-A-T.
Other names: c.1393A>T, p.Met465Leu (NM_001365952.1); c.1255A>T, p.Met419Leu (NM_001365953.1, NM_015074.3, NM_183416.4); short protein forms M465L, M419L.
Identifiers: ClinVar variation 835492 (VCV000835492.11), dbSNP rs560710521, ClinGen allele CA17842027.